The following is an entry in ClinVar:

ClinVar aggregate classification (germline): Uncertain significance (1 of 4 stars; one submission).

Conditions:
Inborn genetic diseases. Identifiers: MedGen C0950123, MeSH D030342.

Allele frequency attached by ClinVar (database versions not stated): gnomAD exomes 0.00001.
gnomAD v4.1: 10 of 1,518,902 alleles (0.00066%); highest among the groups gnomAD compares: Non-Finnish European, 0.0008%; no homozygotes.

Submission:

Ambry Genetics
Classification: Uncertain significance for Inborn genetic diseases. Last evaluated: 2020-03-19. Review status: criteria provided, single submitter. Criteria: Ambry Variant Classification Scheme 2023. Collection method: clinical testing. Allele origin: germline.
Comment: The p.D230E variant (also known as c.690T>A), located in coding exon 6 of the RAD21 gene, results from a T to A substitution at nucleotide position 690. The aspartic acid at codon 230 is replaced by glutamic acid, an amino acid with highly similar properties. This amino acid position is well conserved in available vertebrate species. In addition, this alteration is predicted to be tolerated by in silico analysis. Since supporting evidence is limited at this time, the clinical significance of this alteration remains unclear.

NM_006265.3(RAD21):c.690T>A (p.Asp230Glu)

Gene: RAD21 (RAD21 cohesin complex component; minus strand). Cytogenetic location: 8q24.11.
Variant type: single nucleotide variant.
Coding change: c.690T>A on transcript NM_006265.3 (MANE Select); coding-DNA position 690, T replaced by A.
Protein change: p.Asp230Glu; replaces aspartic acid 230 with glutamic acid.
Molecular consequence: missense variant.
Genome position (GRCh38, 1-based): chr8:116,856,770, A>T on the plus strand (T>A on the coding strand, the complement: RAD21 is on the minus strand). VCF-style: chr8-116856770-A-T. GRCh37 (hg19) VCF-style: chr8-117869009-A-T.
Other names: short protein forms D230E.
Identifiers: ClinVar variation 3225521 (VCV003225521.1), dbSNP rs750624995, ClinGen allele CA372005643.
Genomic context (GRCh38, chr8:116,856,770, plus strand): 5'-CTCAGAGAGGGCAGGGGGATCATCAAAGATACCGCCATCATTATTACTAATAAGTTTGTC[A>T]TCTGAAATAGGGAATGTAAGTTAGTTATAATTTGAAAAAGAAATGCCAAACCACAACAGC-3'
Protein context (NP_006256.1, residues 220-240): FGEGNDGGIL[Asp230Glu]DKLISNNDGG